The following is an entry in ClinVar:

ClinVar aggregate classification (germline): Pathogenic/Likely pathogenic. Review status: criteria provided, multiple submitters, no conflicts (2 of 4 stars). 6 submissions from 6 submitters: Pathogenic (4); Likely pathogenic (2). Last evaluated 2025-12-18.

Conditions:
PDE6A-related disorder. Also called: PDE6A-related condition.
Retinitis pigmentosa 43 (RP43). Identifiers: Orphanet 791, MedGen C3151139, MONDO:0013437, OMIM 613810.

Submissions (6):

Genetics Department, Catlab
Classification: Likely pathogenic for Retinitis pigmentosa 43. Last evaluated: 2025-12-18. Review status: criteria provided, single submitter. Criteria: ACMG Guidelines, 2015. Collection method: clinical testing. Allele origin: germline. Affected: yes.
Comment: The c.1955_1974dup change in the PDE6A gene is a loss of function variant predicted to undergo nonsense mediated decay and loss of function variants have been described as a causing mechanism for the gene (PVS1_verystrong). The variant is absent from gnomAD v4.1 (PM2_moderate). With all the available evidence, the variant is classified as likely pathogenic.

Labcorp Genetics (formerly Invitae), Labcorp
Classification: Pathogenic. Last evaluated: 2023-11-27. Review status: criteria provided, single submitter. Criteria: Invitae Variant Classification Sherloc (09022015). Collection method: clinical testing. Allele origin: germline.
Comment: This sequence change creates a premature translational stop signal (p.Ile659Valfs*10) in the PDE6A gene. It is expected to result in an absent or disrupted protein product. Loss-of-function variants in PDE6A are known to be pathogenic (PMID: 7493036, 22128245, 23847139). This variant is present in population databases (rs773065850, gnomAD 0.003%). This variant has not been reported in the literature in individuals affected with PDE6A-related conditions. ClinVar contains an entry for this variant (Variation ID: 425359). For these reasons, this variant has been classified as Pathogenic.

Revvity Omics, Revvity
Classification: Pathogenic for Retinitis pigmentosa 43. Last evaluated: 2019-11-09. Review status: criteria provided, single submitter. Criteria: ACMG Guidelines, 2015. Collection method: clinical testing. Allele origin: germline.

Blueprint Genetics
Classification: Pathogenic for PDE6A-related disorders. Last evaluated: 2018-08-02. Review status: criteria provided, single submitter. Criteria: ACMG Guidelines, 2015. Collection method: clinical testing. Allele origin: germline. Affected: yes. Observed: 1 variant allele.

CeGaT Center for Human Genetics Tuebingen
Classification: Likely pathogenic. Last evaluated: 2016-09-01. Review status: criteria provided, single submitter. Criteria: CeGaT Center For Human Genetics Tuebingen Variant Classification Criteria Version 2. Collection method: clinical testing. Allele origin: germline. Affected: yes. Observed: 1 variant allele.

Clinical Genetics Service, Universitary Hospital 12 de Octubre
Classification: Pathogenic for Retinitis pigmentosa 43. Review status: criteria provided, single submitter. Criteria: ACMG Guidelines, 2015. Collection method: clinical testing. Allele origin: germline. Affected: yes.

Literature cited by the submitters: PubMed 7493036 (cited by Labcorp Genetics (formerly Invitae), Labcorp); PubMed 22128245 (cited by Labcorp Genetics (formerly Invitae), Labcorp); PubMed 23847139 (cited by Labcorp Genetics (formerly Invitae), Labcorp).

NM_000440.3(PDE6A):c.1955_1974dup (p.Ile659fs)

Gene: PDE6A (phosphodiesterase 6A; minus strand). Cytogenetic location: 5q32.
Variant type: Duplication.
Coding change: c.1955_1974dup on transcript NM_000440.3 (MANE Select); coding-DNA positions 1955 to 1974, 20 bases duplicated (GTCGACAGCATGAGCATGCC).
Protein change: p.Ile659fs; shifts the reading frame from isoleucine 659.
Molecular consequence: frameshift variant.
Genome position (GRCh38, 1-based): chr5:149,884,532-149,884,551, GGCATGCTCATGCTGTCGAC duplicated on the plus strand (GTCGACAGCATGAGCATGCC on the coding strand, the reverse complement: PDE6A is on the minus strand); duplicating any 20 consecutive bases within chr5:149,884,532-149,884,552 gives the same sequence; the c. name uses the placement nearest the transcript's 3' end. VCF-style (leftmost placement, unchanged base first): chr5-149884531-T-TGGCATGCTCATGCTGTCGAC. GRCh37 (hg19) VCF-style: chr5-149264094-T-TGGCATGCTCATGCTGTCGAC.
Other names: short protein forms I659fs.
Identifiers: ClinVar variation 425359 (VCV000425359.57), dbSNP rs773065850, ClinGen allele CA3504448.
Genomic context (GRCh38, chr5:149,884,531, plus strand): 5'-ATACCAACTTGAAATACAGGGCGAGGTCTGTGGCAATGATTGCAATGTCCATCATGTGGA[T>TGGCATGCTCATGCTGTCGAC]GGCATGCTCATGCTGTCGACGATTGAGGTTTTGAAAGATATTCAGGCTCTAAAGAAAAAA-3'